The following is an entry in ClinVar:

NM_004415.4(DSP):c.6496C>G (p.Arg2166Gly)

Gene: DSP (desmoplakin; plus strand). Cytogenetic location: 6p24.3.
Variant type: single nucleotide variant.
Coding change: c.6496C>G on transcript NM_004415.4 (MANE Select); coding-DNA position 6496, C replaced by G.
Protein change: p.Arg2166Gly; replaces arginine 2166 with glycine.
Molecular consequence: missense variant.
Genome position (GRCh38, 1-based): chr6:7,583,758, C>G. VCF-style: chr6-7583758-C-G. GRCh37 (hg19) VCF-style: chr6-7583991-C-G.
Other names: c.4699C>G, p.Arg1567Gly (NM_001008844.3); c.5167C>G, p.Arg1723Gly (NM_001319034.2); short protein forms R1567G, R1723G, R2166G.
Identifiers: ClinVar variation 3273897 (VCV003273897.1).
Genomic context (GRCh38, chr6:7,583,758, plus strand): 5'-GATGTCGCCTTGGCCCGGGGGCTGATTGATAGAGATTTGTATCGATCCCTGAATGATCCC[C>G]GAGATAGTCAGAAAAACTTTGTGGATCCAGTCACCAAAAAGAAGGTCAGTTACGTGCAGC-3'
Protein context (NP_004406.2, residues 2156-2176): RDLYRSLNDP[Arg2166Gly]DSQKNFVDPV

ClinVar aggregate classification (germline): Uncertain significance (1 of 4 stars; one submission).

Conditions:
Cardiovascular phenotype. Identifiers: MedGen CN230736.

Submission:

Ambry Genetics
Classification: Uncertain significance for Cardiovascular phenotype. Last evaluated: 2024-05-17. Review status: criteria provided, single submitter. Criteria: Ambry Variant Classification Scheme 2023. Collection method: clinical testing. Allele origin: germline.
Comment: The p.R2166G variant (also known as c.6496C>G), located in coding exon 24 of the DSP gene, results from a C to G substitution at nucleotide position 6496. The arginine at codon 2166 is replaced by glycine, an amino acid with dissimilar properties. This amino acid position is conserved. In addition, this alteration is predicted to be tolerated by in silico analysis. Based on the available evidence, the clinical significance of this variant remains unclear.